The following is an entry in ClinVar:

ClinVar aggregate classification (germline): Likely benign (1 of 4 stars; one submission).

Conditions:
MKS1-related disorder. Also called: MKS1-related disorders; MKS1-related condition. Identifiers: MedGen CN239382.

Submission:

PreventionGenetics, part of Exact Sciences
Classification: Likely benign for MKS1-related condition. Last evaluated: 2025-04-23. Review status: criteria provided, single submitter. Criteria: ACMG Guidelines, 2015. Collection method: clinical testing. Allele origin: germline.
Comment: This variant is classified as likely benign based on ACMG/AMP sequence variant interpretation guidelines (Richards et al. 2015 PMID: 25741868, with internal and published modifications).

NM_017777.4(MKS1):c.*93C>A

Gene: MKS1 (MKS transition zone complex subunit 1; minus strand). Cytogenetic location: 17q22.
Variant type: single nucleotide variant.
Coding change: c.*93C>A on transcript NM_017777.4 (MANE Select); 93 bases downstream of the stop codon, C replaced by A.
Molecular consequence: 3 prime UTR variant.
Genome position (GRCh38, 1-based): chr17:58,205,986, G>T on the plus strand (C>A on the coding strand, the complement: MKS1 is on the minus strand). VCF-style: chr17-58205986-G-T. GRCh37 (hg19) VCF-style: chr17-56283347-G-T.
Other names: c.*93C>A (NM_001321268.2); c.*4C>A (NM_001321269.2); c.*185C>A (NM_001330397.2).
Identifiers: ClinVar variation 5000889 (VCV005000889.1).